The following is an entry in ClinVar:

NM_001079802.2(FKTN):c.1120A>G (p.Thr374Ala)

Gene: FKTN (fukutin; plus strand). Cytogenetic location: 9q31.2.
Variant type: single nucleotide variant.
Coding change: c.1120A>G on transcript NM_001079802.2 (MANE Select); coding-DNA position 1120, A replaced by G.
Protein change: p.Thr374Ala; replaces threonine 374 with alanine.
Molecular consequence: missense variant. On other transcripts: non-coding transcript variant (2).
Genome position (GRCh38, 1-based): chr9:105,620,009, A>G. VCF-style: chr9-105620009-A-G. GRCh37 (hg19) VCF-style: chr9-108382290-A-G.
Other names: c.1120A>G, p.Thr374Ala (NM_001198963.2, NM_001351496.2, NM_001351498.2 and 1 more transcripts); c.1051A>G, p.Thr351Ala (NM_001351497.2); c.724A>G, p.Thr242Ala (NM_001351499.2, NM_001351500.2, NM_001351501.2 and 1 more transcripts); short protein forms T242A, T351A, T374A.
Identifiers: ClinVar variation 4538013 (VCV004538013.1).
Genomic context (GRCh38, chr9:105,620,009, plus strand): 5'-GAACTATCCTTCCAGGGAAAAGATGATGTAAAACTTGATGTTTTTTTCTTCTATGAAGAA[A>G]CTGATCACATGTGGAATGGAGGCACTCAGGCCAAAACAGGAAAAAAATTCAAGTATGAAT-3'
Protein context (NP_001073270.1, residues 364-384): KLDVFFFYEE[Thr374Ala]DHMWNGGTQA

ClinVar aggregate classification (germline): Uncertain significance (1 of 4 stars; one submission).

Submission:

GeneDx
Classification: Uncertain significance. Last evaluated: 2025-06-10. Review status: criteria provided, single submitter. Criteria: GeneDx Variant Classification Process June 2021. Collection method: clinical testing. Allele origin: germline. Affected: yes.
Comment: Not observed at significant frequency in large population cohorts (gnomAD); In silico analysis suggests that this missense variant does not alter protein structure/function; Has not been previously published as pathogenic or benign to our knowledge